The following is an entry in ClinVar:

NM_001384732.1(CPLANE1):c.6427A>G (p.Ile2143Val)

Gene: CPLANE1 (ciliogenesis and planar polarity effector complex subunit 1; minus strand). Cytogenetic location: 5p13.2.
Variant type: single nucleotide variant.
Coding change: c.6427A>G on transcript NM_001384732.1 (MANE Select); coding-DNA position 6427, A replaced by G.
Protein change: p.Ile2143Val; replaces isoleucine 2143 with valine.
Molecular consequence: missense variant.
Genome position (GRCh38, 1-based): chr5:37,170,076, T>C on the plus strand (A>G on the coding strand, the complement: CPLANE1 is on the minus strand). VCF-style: chr5-37170076-T-C. GRCh37 (hg19) VCF-style: chr5-37170178-T-C.
Other names: c.6427A>G, p.Ile2143Val (NM_023073.4); short protein forms I2143V.
Identifiers: ClinVar variation 158049 (VCV000158049.24), dbSNP rs6884652, ClinGen allele CA171457.
Genomic context (GRCh38, chr5:37,170,076, plus strand): 5'-TTAATGGTATTTTTACATACATTACCTGTACGTTTCCAGTACTATTTTGACCAGATGGGA[T>C]AGTTCCTTCATGGCAGTGTGGGCTGTTCTTGCGAGGCTCTCTGGCGTTCTCTCCCATTGA-3'
Protein context (NP_001371661.1, residues 2133-2153): KNSPHCHEGT[Ile2143Val]PSGQNSTGNV

ClinVar aggregate classification (germline): Benign/Likely benign. Review status: criteria provided, multiple submitters, no conflicts (2 of 4 stars). 10 submissions from 10 submitters: Benign (6); Likely benign (1). 3 of the submissions do not count toward it. Last evaluated 2026-03-30.

Conditions:
Joubert syndrome 17 (JBTS17). Identifiers: Orphanet 475, MedGen C3553264, MONDO:0013824, OMIM 614615.

Allele frequency attached by ClinVar (database versions not stated): gnomAD 0.04935 and 0.04617; 1000 Genomes Project 0.05152; gnomAD exomes 0.00447 and 0.01176; ExAC 0.01449; ESP Exome Variant Server 0.05167; TOPMed 0.05186; 1000 Genomes Project 30x 0.05606.
gnomAD v4.1: 13,865 of 1,614,086 alleles (0.86%); highest among the groups gnomAD compares: African/African-American, 16%; 1,004 homozygotes.

Submissions (10):

Women's Health and Genetics/Laboratory Corporation of America, LabCorp
Classification: Likely benign. Last evaluated: 2026-03-30. Review status: criteria provided, single submitter. Criteria: LabCorp Variant Classification Summary - May 2015. Collection method: clinical testing. Allele origin: germline.
Comment: Variant summary: CPLANE1 c.6427A>G (p.Ile2143Val) results in a conservative amino acid change in the encoded protein sequence. Algorithms developed to predict the effect of missense changes on protein structure and function all suggest that this variant is likely to be tolerated. The variant allele was found at a frequency of 0.015 in 282586 control chromosomes, predominantly at a frequency of 0.16 within the African or African-American subpopulation in the gnomAD database, including 346 homozygotes. The observed variant frequency within African or African-American control individuals in the gnomAD database exceeds the estimated maximal expected allele frequency for disease-causing variants in CPLANE1. To our knowledge, no occurrence of c.6427A>G in individuals affected with CPLANE1-related conditions and no experimental evidence demonstrating its impact on protein function have been reported. ClinVar contains an entry for this variant (Variation ID: 158049). Based on the evidence outlined above, the variant was classified as likely benign.

Labcorp Genetics (formerly Invitae), Labcorp
Classification: Benign. Last evaluated: 2026-02-04. Review status: criteria provided, single submitter. Criteria: Invitae Variant Classification Sherloc (09022015). Collection method: clinical testing. Allele origin: germline.

Mayo Clinic Laboratories, Mayo Clinic
Classification: Benign. Last evaluated: 2023-03-26. Review status: criteria provided, single submitter. Criteria: ACMG Guidelines, 2015. Collection method: clinical testing. Allele origin: germline. Observed: 5 variant alleles.

Illumina Laboratory Services, Illumina
Classification: Benign for Joubert syndrome 17. Last evaluated: 2018-01-13. Review status: criteria provided, single submitter. Criteria: ICSL Variant Classification Criteria 13 December 2019. Collection method: clinical testing. Allele origin: germline.
Comment: This variant was observed in the ICSL laboratory as part of a predisposition screen in an ostensibly healthy population. It had not been previously curated by ICSL or reported in the Human Gene Mutation Database (HGMD: prior to June 1st, 2018), and was therefore a candidate for classification through an automated scoring system. Utilizing variant allele frequency, disease prevalence and penetrance estimates, and inheritance mode, an automated score was calculated to assess if this variant is too frequent to cause the disease. Based on the score and internal cut-off values, a variant classified as benign is not then subjected to further curation. The score for this variant resulted in a classification of benign for this disease.

GeneDx
Classification: Benign. Last evaluated: 2016-05-09. Review status: criteria provided, single submitter. Criteria: GeneDx Variant Classification (06012015). Collection method: clinical testing. Allele origin: germline. Affected: yes.
Comment: This variant is considered likely benign or benign based on one or more of the following criteria: it is a conservative change, it occurs at a poorly conserved position in the protein, it is predicted to be benign by multiple in silico algorithms, and/or has population frequency not consistent with disease.

Breakthrough Genomics
Classification: Benign. Review status: criteria provided, single submitter. Criteria: ACMG Guidelines, 2015. Collection method: not provided. Allele origin: germline. Inheritance: Autosomal recessive inheritance. Affected: yes.

PreventionGenetics, part of Exact Sciences
Classification: Benign. Review status: criteria provided, single submitter. Criteria: ACMG Guidelines, 2015. Collection method: clinical testing. Allele origin: germline.

Clinical Genetics DNA and cytogenetics Diagnostics Lab, Erasmus MC, Erasmus Medical Center
Classification: Benign. Review status: no assertion criteria provided. Collection method: clinical testing. Allele origin: germline. Affected: yes. Study: VKGL Data-share Consensus. Not counted in ClinVar's aggregate classification.

Genetic Services Laboratory, University of Chicago
Classification: Likely benign. Review status: no assertion criteria provided. Collection method: clinical testing. Allele origin: germline. Inheritance: Autosomal recessive inheritance. Not counted in ClinVar's aggregate classification.
Comment: Likely benign based on allele frequency in 1000 Genomes Project or ESP global frequency and its presence in a patient with a rare or unrelated disease phenotype. NOT Sanger confirmed

Laboratory of Diagnostic Genome Analysis, Leiden University Medical Center (LUMC)
Classification: Likely benign. Review status: no assertion criteria provided. Collection method: clinical testing. Allele origin: germline. Affected: yes. Study: VKGL Data-share Consensus. Not counted in ClinVar's aggregate classification.